The following is an entry in ClinVar:

NM_006506.5(RASA2):c.1679G>C (p.Ser560Thr)

Gene: RASA2 (RAS p21 protein activator 2; plus strand). Cytogenetic location: 3q23.
Variant type: single nucleotide variant.
Coding change: c.1679G>C on transcript NM_006506.5 (MANE Select); coding-DNA position 1679, G replaced by C.
Protein change: p.Ser560Thr; replaces serine 560 with threonine.
Molecular consequence: missense variant.
Genome position (GRCh38, 1-based): chr3:141,581,104, G>C. VCF-style: chr3-141581104-G-C. GRCh37 (hg19) VCF-style: chr3-141299946-G-C.
Other names: c.1679G>C, p.Ser560Thr (NM_001303245.3, NM_001303246.3); short protein forms S560T.
Identifiers: ClinVar variation 3618786 (VCV003618786.2).

ClinVar aggregate classification (germline): Uncertain significance (1 of 4 stars; one submission).

gnomAD v4.1: 7 of 1,530,258 alleles (0.00046%); highest among the groups gnomAD compares: Non-Finnish European, 0.00061%; no homozygotes.

Submission:

Labcorp Genetics (formerly Invitae), Labcorp
Classification: Uncertain significance. Last evaluated: 2024-10-16. Review status: criteria provided, single submitter. Criteria: Invitae Variant Classification Sherloc (09022015). Collection method: clinical testing. Allele origin: germline.
Comment: This sequence change replaces serine, which is neutral and polar, with threonine, which is neutral and polar, at codon 560 of the RASA2 protein (p.Ser560Thr). This variant is not present in population databases (gnomAD no frequency). This variant has not been reported in the literature in individuals affected with RASA2-related conditions. Invitae Evidence Modeling of protein sequence and biophysical properties (such as structural, functional, and spatial information, amino acid conservation, physicochemical variation, residue mobility, and thermodynamic stability) indicates that this missense variant is not expected to disrupt RASA2 protein function with a negative predictive value of 80%. In summary, the available evidence is currently insufficient to determine the role of this variant in disease. Therefore, it has been classified as a Variant of Uncertain Significance.